The following is an entry in ClinVar:

NM_000138.5(FBN1):c.4802C>A (p.Thr1601Asn)

Gene: FBN1 (fibrillin 1; minus strand). Cytogenetic location: 15q21.1.
Variant type: single nucleotide variant.
Coding change: c.4802C>A on transcript NM_000138.5 (MANE Select); coding-DNA position 4802, C replaced by A.
Protein change: p.Thr1601Asn; replaces threonine 1601 with asparagine.
Molecular consequence: missense variant.
Genome position (GRCh38, 1-based): chr15:48,465,804, G>T on the plus strand (C>A on the coding strand, the complement: FBN1 is on the minus strand). VCF-style: chr15-48465804-G-T. GRCh37 (hg19) VCF-style: chr15-48758001-G-T.
Other names: short protein forms T1601N.
Identifiers: ClinVar variation 1351566 (VCV001351566.8), dbSNP rs1363357978, ClinGen allele CA392351602.
Genomic context (GRCh38, chr15:48,465,804, plus strand): 5'-GGAAATTCAAGTTGTGTGTGCTTTAAGACAAAGGAAACACAATTACCTTCCAATATAACG[G>T]TGATAGGATTTGGTCGGAAACCTTCCCCTCCAGGACAAAGAATTTTGTACTCGGCTATTG-3'
Protein context (NP_000129.3, residues 1591-1611): GGEGFRPNPI[Thr1601Asn]VILEDIDECQ

ClinVar aggregate classification (germline): Uncertain significance (1 of 4 stars; one submission).

Conditions:
Marfan syndrome (MFS). Also called: Marfan syndrome type 1; Marfan's syndrome; FBN1-Related Marfan Syndrome; MARFAN SYNDROME, TYPE I; Marfan syndrome, classic. Identifiers: Orphanet 284963, Orphanet 558, MedGen C0024796, MONDO:0007947, OMIM 154700.
Familial thoracic aortic aneurysm and aortic dissection (TAAD). Also called: Thoracic aortic aneurysms and dissections. Identifiers: Orphanet 91387, MedGen C4707243, MONDO:0019625.

Allele frequency attached by ClinVar (database versions not stated): gnomAD 0.00001; TOPMed below 0.00001.
gnomAD v4.1: 1 of 1,613,604 alleles (0.000062%); highest among the groups gnomAD compares: Non-Finnish European, 0.000085%; no homozygotes.

Submission:

Labcorp Genetics (formerly Invitae), Labcorp
Classification: Uncertain significance for Marfan syndrome; Familial thoracic aortic aneurysm and aortic dissection. Last evaluated: 2020-11-26. Review status: criteria provided, single submitter. Criteria: Invitae Variant Classification Sherloc (09022015). Collection method: clinical testing. Allele origin: germline.
Comment: In summary, the available evidence is currently insufficient to determine the role of this variant in disease. Therefore, it has been classified as a Variant of Uncertain Significance. Algorithms developed to predict the effect of missense changes on protein structure and function are either unavailable or do not agree on the potential impact of this missense change (SIFT: "Tolerated"; PolyPhen-2: "Probably Damaging"; Align-GVGD: "Class C0"). This sequence change replaces threonine with asparagine at codon 1601 of the FBN1 protein (p.Thr1601Asn). The threonine residue is highly conserved and there is a small physicochemical difference between threonine and asparagine. This variant is not present in population databases (ExAC no frequency). This variant has not been reported in the literature in individuals with FBN1-related conditions.